The following is an entry in ClinVar:

NM_007294.4(BRCA1):c.3715_3717delinsC (p.Ser1239fs)

Genes: BRCA1 (BRCA1 DNA repair associated; minus strand), LOC126862571 (BRD4-independent group 4 enhancer GRCh37_chr17:41243136-41244335; plus strand). Cytogenetic location: 17q21.31.
Variant type: Indel.
Coding change: c.3715_3717delinsC on transcript NM_007294.4 (MANE Select); coding-DNA positions 3715 to 3717, TCT replaced by C.
Protein change: p.Ser1239fs; shifts the reading frame from serine 1239.
Molecular consequence: frameshift variant. On other transcripts: intron variant (135).
Genome position (GRCh38, 1-based): chr17:43,091,814-43,091,816, AGA replaced by G on the plus strand (TCT replaced by C on the coding strand, the reverse complement: BRCA1 is on the minus strand). VCF-style: chr17-43091814-AGA-G. GRCh37 (hg19) VCF-style: chr17-41243831-AGA-G.
Other names: 3834delTCTinsC; c.647-784_647-782delinsC (NM_001408454.1, NM_001408456.1, NM_001408410.1 and 11 more transcripts); c.707-784_707-782delinsC (NM_001408413.1, NM_001408416.1); c.587-784_587-782delinsC (NM_001408476.1, NM_001408474.1); c.710-784_710-782delinsC (NM_001408409.1, NM_001408414.1, NM_001408411.1 and 2 more transcripts); c.575-784_575-782delinsC (NM_001408493.1, NM_001408490.1, NM_001408491.1); c.455-784_455-782delinsC (NM_001408502.1); c.578-784_578-782delinsC (NM_001408489.1, NM_001408479.1, NM_001408482.1 and 9 more transcripts); and 42 more; short protein forms S1192fs, S1239fs, S1071fs, S1111fs, S1127fs, S1150fs, S1168fs, S1169fs.
Identifiers: ClinVar variation 54975 (VCV000054975.6), dbSNP rs273900714, ClinGen allele CA002383.

ClinVar aggregate classification (germline): Pathogenic. Review status: reviewed by expert panel (3 of 4 stars). 3 submissions from 3 submitters: Pathogenic (1). 2 of the submissions do not count toward it. Last evaluated 2016-09-08.

Conditions:
Breast-ovarian cancer, familial, susceptibility to, 1 (BROVCA1). Also called: BRCA1 Hereditary Breast and Ovarian Cancer; OVARIAN CANCER, SUSCEPTIBILITY TO. Identifiers: Orphanet 145, MedGen C2676676, MONDO:0011450, OMIM 604370. Disease mechanism: loss of function.
Hereditary breast ovarian cancer syndrome. Also called: BRCA1- and BRCA2-Associated Hereditary Breast and Ovarian Cancer; Hereditary breast and ovarian cancer syndrome; Hereditary breast and ovarian cancer syndrome (HBOC); Breast and ovarian cancer; Hereditary breast and/or ovarian cancer syndrome; Hereditary breast and ovarian cancer. Identifiers: Orphanet 145, MedGen C0677776, MeSH D061325, MONDO:0003582. Disease mechanism: loss of function.

Submissions (3):

Evidence-based Network for the Interpretation of Germline Mutant Alleles (ENIGMA)
Classification: Pathogenic for Breast-ovarian cancer, familial, susceptibility to, 1. Last evaluated: 2016-09-08. Review status: reviewed by expert panel. Criteria: ENIGMA BRCA1/2 Classification Criteria (2015). Collection method: curation. Allele origin: germline.
Comment: Variant allele predicted to encode a truncated non-functional protein.

Women's Health and Genetics/Laboratory Corporation of America, LabCorp
Classification: Pathogenic for Hereditary breast ovarian cancer syndrome. Last evaluated: 2025-04-25. Review status: criteria provided, single submitter. Criteria: LabCorp Variant Classification Summary - May 2015. Collection method: clinical testing. Allele origin: germline. Not counted in ClinVar's aggregate classification.
Comment: Variant summary: BRCA1 c.3715_3717delinsC (p.Ser1239ProfsX4) results in a premature termination codon, predicted to cause a truncation of the encoded protein or absence of the protein due to nonsense mediated decay, which are commonly known mechanisms for disease. The variant was absent in 282680 control chromosomes (gnomAD). c.3715_3717delinsC has been observed in at least an individual affected with BRCA1-related conditions (Laitman_2019). The following publication has been ascertained in the context of this evaluation (PMID: 31209999). ClinVar contains an entry for this variant (Variation ID: 54975). Based on the evidence outlined above, the variant was classified as pathogenic.

Breast Cancer Information Core (BIC) (BRCA1)
Classification: Pathogenic for Breast-ovarian cancer, familial 1. Review status: no assertion criteria provided. Collection method: clinical testing. Allele origin: germline. Affected: yes. Observed: 1 variant allele. Not counted in ClinVar's aggregate classification.

Literature cited by the submitters: PubMed 31209999 (cited by Women's Health and Genetics/Laboratory Corporation of America, LabCorp).